The following is an entry in ClinVar:

NM_014222.3(NDUFA8):c.390del (p.Lys130_Val131insTer)

Gene: NDUFA8 (NADH:ubiquinone oxidoreductase subunit A8; minus strand). Cytogenetic location: 9q33.2.
Variant type: Deletion.
Coding change: c.390del on transcript NM_014222.3 (MANE Select); coding-DNA position 390, one base deleted (A; older notation c.390delA).
Protein change: p.Lys130_Val131insTer.
Molecular consequence: frameshift variant. On other transcripts: intron variant (1).
Genome position (GRCh38, 1-based): chr9:122,144,370, T deleted on the plus strand (A on the coding strand, the reverse complement: NDUFA8 is on the minus strand); the first of 3 consecutive T bases (chr9:122,144,370-122,144,372); deleting any one gives the same sequence. VCF-style (leftmost placement, unchanged base first): chr9-122144369-CT-C. GRCh37 (hg19) VCF-style: chr9-124906648-CT-C.
Other names: c.381+3742del (NM_001318195.2).
Identifiers: ClinVar variation 4886261 (VCV004886261.2).

ClinVar aggregate classification (germline): Uncertain significance (1 of 4 stars; one submission).

Submission:

Dasa
Classification: Uncertain significance. Last evaluated: 2025-02-15. Review status: criteria provided, single submitter. Criteria: DASA Assertion Criteria. Collection method: clinical testing. Allele origin: germline.
Comment: NM_014222.3(NDUFA8):c.390del (p.Val131*) is a nonsense variant in NDUFA8 predicted to introduce a premature termination codon and is predicted to result in an absent or altered protein product. This variant is rare in population databases. The currently available literature and clinical evidence are not sufficient to establish a definitive association between this variant and the reported condition. Therefore, this variant is classified as a variant of uncertain significance.